The following is an entry in ClinVar:

ClinVar aggregate classification (germline): Pathogenic (1 of 4 stars; one submission).

Submission:

Labcorp Genetics (formerly Invitae), Labcorp
Classification: Pathogenic. Last evaluated: 2022-06-08. Review status: criteria provided, single submitter. Criteria: Invitae Variant Classification Sherloc (09022015). Collection method: clinical testing. Allele origin: germline.
Comment: For these reasons, this variant has been classified as Pathogenic. This variant has not been reported in the literature in individuals affected with CEP78-related conditions. This variant results in the deletion of part of exon 1 and exons 2-3 (c.2_500-62del) of the CEP78 gene. It is expected to result in an absent or disrupted protein product. Loss-of-function variants in CEP78 are known to be pathogenic (PMID: 27588451, 27588452, 27627988).

Literature cited by the submitters: PubMed 27588451; PubMed 27588452; PubMed 27627988.

NC_000009.11:g.(?_80851266)_(80856548_?)del

Gene: CEP78 (centrosomal protein 78; plus strand). Cytogenetic location: 9q21.2.
Variant type: Deletion.
Identifiers: ClinVar variation 2423691 (VCV002423691.4).